The following is an entry in ClinVar:

ClinVar aggregate classification (germline): Uncertain significance (1 of 4 stars; one submission).

Submission:

Ambry Genetics
Classification: Uncertain significance. Last evaluated: 2025-05-02. Review status: criteria provided, single submitter. Criteria: Ambry Variant Classification Scheme 2023. Collection method: clinical testing. Allele origin: germline.
Comment: The p.Q23P variant (also known as c.68A>C), located in coding exon 1 of the RAD51B gene, results from an A to C substitution at nucleotide position 68. The glutamine at codon 23 is replaced by proline, an amino acid with similar properties. This amino acid position is conserved. In addition, the in silico prediction for this alteration is inconclusive. Based on the available evidence, the clinical significance of this variant remains unclear.

NM_133510.4(RAD51B):c.68A>C (p.Gln23Pro)

Gene: RAD51B (RAD51 paralog B; plus strand). Cytogenetic location: 14q24.1.
Variant type: single nucleotide variant.
Coding change: c.68A>C on transcript NM_133510.4 (MANE Select); coding-DNA position 68, A replaced by C.
Protein change: p.Gln23Pro; replaces glutamine 23 with proline.
Molecular consequence: missense variant. On other transcripts: 5 prime UTR variant (2).
Genome position (GRCh38, 1-based): chr14:67,823,611, A>C. VCF-style: chr14-67823611-A-C. GRCh37 (hg19) VCF-style: chr14-68290328-A-C.
Other names: c.68A>C, p.Gln23Pro (NM_001321809.2, NM_001321810.2, NM_001321812.1 and 6 more transcripts); c.-47A>C (NM_001321815.1); c.-388A>C (NM_001321817.2); short protein forms Q23P.
Identifiers: ClinVar variation 3942304 (VCV003942304.1).